The following is an entry in ClinVar:

NM_000088.4(COL1A1):c.1983+20C>T

Gene: COL1A1 (collagen type I alpha 1 chain; minus strand). Cytogenetic location: 17q21.33.
Variant type: single nucleotide variant.
Coding change: c.1983+20C>T on transcript NM_000088.4 (MANE Select); 20 bases into the intron after coding-DNA position 1983, C replaced by T.
Molecular consequence: intron variant.
Genome position (GRCh38, 1-based): chr17:50,192,455, G>A on the plus strand (C>T on the coding strand, the complement: COL1A1 is on the minus strand). VCF-style: chr17-50192455-G-A. GRCh37 (hg19) VCF-style: chr17-48269816-G-A.
Identifiers: ClinVar variation 2979004 (VCV002979004.6), dbSNP rs372949963, ClinGen allele CA8644992.
Genomic context (GRCh38, chr17:50,192,455, plus strand): 5'-GTCTGATTAGCTAGGAGCGGGGGCCTGTCCCTCTGGATTCCCTGCATCTCCCACCCCTCT[G>A]GCCGGCTGCTCCCTCTTACCTGTTCACCAGGTTTGCCTGCTTCACCTGGAGGACCAGCAG-3'

ClinVar aggregate classification (germline): Likely benign. Review status: criteria provided, multiple submitters, no conflicts (2 of 4 stars). 3 submissions from 3 submitters: Likely benign (3). Last evaluated 2025-01-07.

Conditions:
Osteogenesis imperfecta type I (OI1). Also called: Lobstein disease; OI, TYPE I; OSTEOGENESIS IMPERFECTA TARDA; OSTEOGENESIS IMPERFECTA WITH BLUE SCLERAE; Osteogenesis imperfecta type 1; Classic Non-deforming Osteogenesis Imperfecta with Blue Sclerae. Identifiers: Orphanet 216796, Orphanet 666, MedGen C0023931, MONDO:0008146, OMIM 166200. Disease mechanism: loss of function.

Allele frequency attached by ClinVar (database versions not stated): ExAC 0.00005; ESP Exome Variant Server 0.00008; gnomAD 0.00009; TOPMed 0.00011.
gnomAD v4.1: 36 of 1,591,962 alleles (0.0023%); highest among the groups gnomAD compares: East Asian, 0.023%; no homozygotes.

Submissions (3):

Women's Health and Genetics/Laboratory Corporation of America, LabCorp
Classification: Likely benign. Last evaluated: 2025-01-07. Review status: criteria provided, single submitter. Criteria: LabCorp Variant Classification Summary - May 2015. Collection method: clinical testing. Allele origin: germline.
Comment: Variant summary: COL1A1 c.1983+20C>T alters a nucleotide located at a position not widely known to affect splicing. Consensus agreement among computation tools predict no significant impact on normal splicing (TrAP). However, these predictions have yet to be confirmed by functional studies. The variant allele was found at a frequency of 5.1e-05 in 215248 control chromosomes, predominantly at a frequency of 0.00046 within the East Asian subpopulation in the gnomAD database. The available data on variant occurrences in the general population are insufficient to allow any conclusion about variant significance. To our knowledge, no occurrence of c.1983+20C>T in individuals affected with Osteogenesis Imperfecta and no experimental evidence demonstrating its impact on protein function have been reported. ClinVar contains an entry for this variant (Variation ID: 2979004). Based on the evidence outlined above, the variant was classified as likely benign.

Labcorp Genetics (formerly Invitae), Labcorp
Classification: Likely benign for Osteogenesis imperfecta type I. Last evaluated: 2024-12-10. Review status: criteria provided, single submitter. Criteria: Invitae Variant Classification Sherloc (09022015). Collection method: clinical testing. Allele origin: germline.

Blueprint Genetics
Classification: Likely benign. Last evaluated: 2024-11-26. Review status: criteria provided, single submitter. Criteria: ACMG Guidelines, 2015. Collection method: clinical testing. Allele origin: germline.